The following is an entry in ClinVar:

ClinVar aggregate classification (germline): Uncertain significance (1 of 4 stars; one submission).

Conditions:
Ullrich congenital muscular dystrophy 2 (UCMD2). Identifiers: Orphanet 75840, MedGen C4225314, MONDO:0014654, OMIM 616470.
Bethlem myopathy 2 (BTHLM2). Identifiers: Orphanet 536516, Orphanet 610, MedGen C4225313, MONDO:0034022, OMIM 616471.

Submission:

Labcorp Genetics (formerly Invitae), Labcorp
Classification: Uncertain significance for Bethlem myopathy 2; Ullrich congenital muscular dystrophy 2. Last evaluated: 2022-03-17. Review status: criteria provided, single submitter. Criteria: Invitae Variant Classification Sherloc (09022015). Collection method: clinical testing. Allele origin: germline.
Comment: In summary, the available evidence is currently insufficient to determine the role of this variant in disease. Therefore, it has been classified as a Variant of Uncertain Significance. Algorithms developed to predict the effect of missense changes on protein structure and function are either unavailable or do not agree on the potential impact of this missense change (SIFT: "Deleterious"; PolyPhen-2: "Probably Damaging"; Align-GVGD: "Class C0"). This variant has not been reported in the literature in individuals affected with COL12A1-related conditions. This variant is not present in population databases (gnomAD no frequency). This sequence change replaces arginine, which is basic and polar, with proline, which is neutral and non-polar, at codon 1414 of the COL12A1 protein (p.Arg1414Pro).

NM_004370.6(COL12A1):c.4241G>C (p.Arg1414Pro)

Gene: COL12A1 (collagen type XII alpha 1 chain; minus strand). Cytogenetic location: 6q13.
Variant type: single nucleotide variant.
Coding change: c.4241G>C on transcript NM_004370.6 (MANE Select); coding-DNA position 4241, G replaced by C.
Protein change: p.Arg1414Pro; replaces arginine 1414 with proline.
Molecular consequence: missense variant.
Genome position (GRCh38, 1-based): chr6:75,148,404, C>G on the plus strand (G>C on the coding strand, the complement: COL12A1 is on the minus strand). VCF-style: chr6-75148404-C-G. GRCh37 (hg19) VCF-style: chr6-75858120-C-G.
Other names: c.749G>C, p.Arg250Pro (NM_080645.3); short protein forms R1414P, R250P.
Identifiers: ClinVar variation 2088044 (VCV002088044.4), dbSNP rs769711983, ClinGen allele CA364745458.